The following is an entry in ClinVar:

NM_001680.5(FXYD2):c.151C>T (p.Arg51Cys)

Genes: FXYD2 (FXYD domain containing ion transport regulator 2; minus strand), FXYD6-FXYD2 (FXYD6-FXYD2 readthrough; minus strand). Cytogenetic location: 11q23.3.
Variant type: single nucleotide variant.
Coding change: c.151C>T on transcript NM_001680.5 (MANE Select); coding-DNA position 151, C replaced by T.
Protein change: p.Arg51Cys; replaces arginine 51 with cysteine.
Molecular consequence: missense variant.
Genome position (GRCh38, 1-based): chr11:117,820,884, G>A on the plus strand (C>T on the coding strand, the complement: FXYD2 is on the minus strand). VCF-style: chr11-117820884-G-A. GRCh37 (hg19) VCF-style: chr11-117691599-G-A.
Other names: c.385C>T, p.Arg129Cys (NM_001204268.3); c.323C>T, p.Pro108Leu (NM_001243598.4); c.145C>T, p.Arg49Cys (NM_021603.4); c.385C>T (NM_001204268.1); short protein forms P108L, R129C, R49C, R51C.
Identifiers: ClinVar variation 2144804 (VCV002144804.5), dbSNP rs200063683, ClinGen allele CA6297781.
Genomic context (GRCh38, chr11:117,820,884, plus strand): 5'-CAACCCCCTCATCGGTCACCCCAGGCAGCGCTCACCTGCGCTTCTTATTGCCCCCACAGC[G>A]GAATCTTCTGCCTTGAAAAGAGAAAAGGAGATTTGTTTCCATGGACTAATTTTCCAAGGA-3'
Protein context (NP_001671.2, residues 41-61): GLLILLSRRF[Arg51Cys]CGGNKKRRQI

ClinVar aggregate classification (germline): Uncertain significance. Review status: criteria provided, multiple submitters, no conflicts (2 of 4 stars). 2 submissions from 2 submitters: Uncertain significance (2). Last evaluated 2025-08-10.

Allele frequency attached by ClinVar (database versions not stated): ESP Exome Variant Server 0.00008; gnomAD 0.00008; TOPMed 0.00008; ExAC 0.00010.
gnomAD v4.1: 122 of 1,613,044 alleles (0.0076%); highest among the groups gnomAD compares: Middle Eastern, 0.033%; 1 homozygote.

Submissions (2):

Ambry Genetics
Classification: Uncertain significance. Last evaluated: 2025-08-10. Review status: criteria provided, single submitter. Criteria: Ambry Variant Classification Scheme 2023. Collection method: clinical testing. Allele origin: germline.

Labcorp Genetics (formerly Invitae), Labcorp
Classification: Uncertain significance. Last evaluated: 2025-04-14. Review status: criteria provided, single submitter. Criteria: Invitae Variant Classification Sherloc (09022015). Collection method: clinical testing. Allele origin: germline.
Comment: This sequence change replaces arginine, which is basic and polar, with cysteine, which is neutral and slightly polar, at codon 51 of the FXYD2 protein (p.Arg51Cys). The frequency data for this variant in the population databases is considered unreliable, as metrics indicate poor data quality at this position in the gnomAD database. This variant has not been reported in the literature in individuals affected with FXYD2-related conditions. ClinVar contains an entry for this variant (Variation ID: 2144804). An algorithm developed to predict the effect of missense changes on protein structure and function (PolyPhen-2) suggests that this variant is likely to be disruptive. In summary, the available evidence is currently insufficient to determine the role of this variant in disease. Therefore, it has been classified as a Variant of Uncertain Significance.